The following is an entry in ClinVar:

ClinVar aggregate classification (germline): Pathogenic (1 of 4 stars; one submission).

Conditions:
Ehlers-Danlos syndrome, dermatosparaxis type. Also called: EDS VIIC; Dermatosparaxis; Ehlers-Danlos syndrome, type VII, autosomal recessive. Identifiers: Orphanet 1901, MedGen C2700425, MONDO:0009161, OMIM 225410.

Submission:

Myriad Genetics, Inc.
Classification: Pathogenic for Ehlers-Danlos syndrome, dermatosparaxis type. Last evaluated: 2024-05-14. Review status: criteria provided, single submitter. Criteria: Myriad Autosomal Dominant, Autosomal Recessive and X-Linked Classification Criteria (2023). Collection method: clinical testing. Allele origin: unknown.
Comment: NM_014244.4(ADAMTS2):c.108_109insT(A37Cfs*29) is expected to be pathogenic in the context of Ehlers-Danlos syndrome, ADAMTS2-related. This variant is predicted to lead to an abnormal or absent protein product due to the creation of a premature termination codon in ADAMTS2, a gene where loss-of-function variants are known to be pathogenic. Please note: this variant was assessed in the context of healthy population screening.

NM_014244.5(ADAMTS2):c.108_109insT (p.Ala37fs)

Gene: ADAMTS2 (ADAM metallopeptidase with thrombospondin type 1 motif 2; minus strand). Cytogenetic location: 5q35.3.
Variant type: Insertion.
Coding change: c.108_109insT on transcript NM_014244.5 (MANE Select); coding-DNA positions 108 to 109, T inserted.
Protein change: p.Ala37fs; shifts the reading frame from alanine 37.
Molecular consequence: frameshift variant.
Genome position: GRCh38 VCF-style: chr5-179345220-C-CA. GRCh37 (hg19) VCF-style: chr5-178772221-C-CA.
Other names: c.108_109insT, p.Ala37fs (NM_021599.4); short protein forms A37fs.
Identifiers: ClinVar variation 5010774 (VCV005010774.1).
Genomic context (GRCh38, chr5:179,345,220, plus strand): 5'-CCCGGGGAGTAGGGGCCGGGCCGCACCTACCTGGGGGGTCGGCGGCGGCGGCGAGCCTGG[C>CA]GTTCGCGGGCGGCGGCGGCGGCGGCAGGAGCGGCGGCGGCAGCAGCAGCAGCAGCAGCAG-3'